The following is an entry in ClinVar:

ClinVar aggregate classification (germline): Uncertain significance (1 of 4 stars; one submission).

gnomAD v4.1: 3 of 1,612,146 alleles (0.00019%); highest among the groups gnomAD compares: Non-Finnish European, 0.00025%; no homozygotes.

Submission:

GeneDx
Classification: Uncertain significance. Last evaluated: 2025-03-09. Review status: criteria provided, single submitter. Criteria: GeneDx Variant Classification Process June 2021. Collection method: clinical testing. Allele origin: germline. Affected: yes.
Comment: De novo variant with confirmed parentage in a patient from a large cohort study of individuals with developmental disorders; however, no further clinical information was provided (PMID: 33057194); Not observed at significant frequency in large population cohorts (gnomAD); In silico analysis supports that this missense variant has a deleterious effect on protein structure/function; This variant is associated with the following publications: (PMID: 35982159, 33057194)

NM_020706.2(SCAF4):c.805G>C (p.Asp269His)

Gene: SCAF4 (SR-related CTD associated factor 4; minus strand). Cytogenetic location: 21q22.11.
Variant type: single nucleotide variant.
Coding change: c.805G>C on transcript NM_020706.2 (MANE Select); coding-DNA position 805, G replaced by C.
Protein change: p.Asp269His; replaces aspartic acid 269 with histidine.
Molecular consequence: missense variant.
Genome position (GRCh38, 1-based): chr21:31,696,723, C>G on the plus strand (G>C on the coding strand, the complement: SCAF4 is on the minus strand). VCF-style: chr21-31696723-C-G. GRCh37 (hg19) VCF-style: chr21-33069036-C-G.
Other names: c.760G>C, p.Asp254His (NM_001145444.1); c.805G>C, p.Asp269His (NM_001145445.1); short protein forms D254H, D269H.
Identifiers: ClinVar variation 4086508 (VCV004086508.1).